The following is an entry in ClinVar:

NM_006648.4(WNK2):c.5803G>T (p.Gly1935Cys)

Gene: WNK2 (WNK lysine deficient protein kinase 2; plus strand). Cytogenetic location: 9q22.31.
Variant type: single nucleotide variant.
Coding change: c.5803G>T on transcript NM_006648.4 (MANE Select); coding-DNA position 5803, G replaced by T.
Protein change: p.Gly1935Cys; replaces glycine 1935 with cysteine.
Molecular consequence: missense variant.
Genome position (GRCh38, 1-based): chr9:93,297,947, G>T. VCF-style: chr9-93297947-G-T. GRCh37 (hg19) VCF-style: chr9-96060229-G-T.
Other names: c.5914G>T, p.Gly1972Cys (NM_001282394.3); short protein forms G1935C, G1972C.
Identifiers: ClinVar variation 4201879 (VCV004201879.1).

ClinVar aggregate classification (germline): Uncertain significance (1 of 4 stars; one submission).

Submission:

Ambry Genetics
Classification: Uncertain significance. Last evaluated: 2025-09-07. Review status: criteria provided, single submitter. Criteria: Ambry Variant Classification Scheme 2023. Collection method: clinical testing. Allele origin: germline.
Comment: The p.G1935C variant (also known as c.5803G>T), located in coding exon 23 of the WNK2 gene, results from a G to T substitution at nucleotide position 5803. The glycine at codon 1935 is replaced by cysteine, an amino acid with highly dissimilar properties. This amino acid position is conserved. In addition, the in silico prediction for this alteration is inconclusive. Based on the available evidence, the clinical significance of this variant remains unclear.